The following is an entry in ClinVar:

NM_033380.3(COL4A5):c.4313del (p.Pro1438fs)

Gene: COL4A5 (collagen type IV alpha 5 chain; plus strand). Cytogenetic location: Xq22.3.
Variant type: Deletion.
Coding change: c.4313del on transcript NM_033380.3 (MANE Select); coding-DNA position 4313, one base deleted (C; older notation c.4313delC).
Protein change: p.Pro1438fs; shifts the reading frame from proline 1438.
Molecular consequence: frameshift variant.
Genome position (GRCh38, 1-based): chrX:108,686,127, C deleted; the last of 2 consecutive C bases (chrX:108,686,126-108,686,127); deleting either gives the same sequence. VCF-style (leftmost placement, unchanged base first): chrX-108686125-GC-G. GRCh37 (hg19) VCF-style: chrX-107929355-GC-G.
Other names: c.4295del, p.Pro1432fs (NM_000495.5); short protein forms P1432fs, P1438fs.
Identifiers: ClinVar variation 1726986 (VCV001726986.2), dbSNP rs2524628824, ClinGen allele CA2580100159.
Genomic context (GRCh38, chrX:108,686,125, plus strand): 5'-TGGACTCCCTGGCTTTGATGGTGCAGGAGGGCGCAAAGGAGACCCAGGTCTGCCAGGACA[GC>G]CAGGTAAGACAAGTAAAACATGCTGTTGGTGGAGGGAAAGTCTTTGAGTCTGAGAGACCT-3'

ClinVar aggregate classification (germline): Likely pathogenic (1 of 4 stars; one submission).

Conditions:
X-linked Alport syndrome (ATS1). Also called: NEPHROPATHY AND DEAFNESS, X-LINKED; COL4A5-Related Nephropathy. Identifiers: Orphanet 63, Orphanet 88917, MedGen C4746986, MONDO:0010520, OMIM 301050.

Submission:

Myriad Genetics, Inc.
Classification: Likely pathogenic for X-linked Alport syndrome. Last evaluated: 2022-01-06. Review status: criteria provided, single submitter. Criteria: Myriad Women's Health Autosomal Recessive and X-Linked Classification Criteria (2021). Collection method: clinical testing. Allele origin: unknown.
Comment: NM_000495.4(COL4A5):c.4295delC(P1432Qfs*116) is expected to be pathogenic in the context of X-linked Alport syndrome. This variant is predicted to lead to an abnormal or absent protein product due to the creation of a premature termination codon in COL4A5, a gene where loss-of-function variants are known to be pathogenic. Please note: this variant was assessed in the context of healthy population screening.